The following is an entry in ClinVar:

NM_001278293.3(ARL6):c.365G>A (p.Arg122Gln)

Gene: ARL6 (ARF like GTPase 6; plus strand). Cytogenetic location: 3q11.2.
Variant type: single nucleotide variant.
Coding change: c.365G>A on transcript NM_001278293.3 (MANE Select); coding-DNA position 365, G replaced by A.
Protein change: p.Arg122Gln; replaces arginine 122 with glutamine.
Molecular consequence: missense variant. On other transcripts: non-coding transcript variant (7).
Genome position (GRCh38, 1-based): chr3:97,788,005, G>A. VCF-style: chr3-97788005-G-A. GRCh37 (hg19) VCF-style: chr3-97506849-G-A.
Other names: c.365G>A, p.Arg122Gln (NM_001323513.2, NM_001323514.2, NM_032146.5 and 1 more transcripts); short protein forms R122Q.
Identifiers: ClinVar variation 900891 (VCV000900891.12), dbSNP rs142258123, ClinGen allele CA2505950.

ClinVar aggregate classification (germline): Uncertain significance. Review status: criteria provided, multiple submitters, no conflicts (2 of 4 stars). 6 submissions from 5 submitters: Uncertain significance (6). Last evaluated 2026-04-10.

Conditions:
ARL6-related disorder. Also called: ARL6-related condition.
Retinitis pigmentosa 55 (RP55). Identifiers: Orphanet 791, MedGen C3150808, MONDO:0013312, OMIM 613575.
Bardet-Biedl syndrome 3 (BBS3). Identifiers: Orphanet 110, MedGen C1859564, MONDO:0010832, OMIM 600151.
Retinal dystrophy. Also called: Inherited retinal dystrophy. Identifiers: Orphanet 71862, MedGen C0854723, MeSH D058499, MONDO:0019118, HP:0000556.
Retinitis pigmentosa (RP). Identifiers: Orphanet 791, MedGen C0035334, MeSH D012174, MONDO:0019200, OMIM 268000. Inheritance: Autosomal dominant, autosomal recessive and X linked inheritance.

Allele frequency attached by ClinVar (database versions not stated): ExAC 0.00003; gnomAD 0.00006; TOPMed 0.00008.
gnomAD v4.1: 58 of 1,613,080 alleles (0.0036%); highest among the groups gnomAD compares: African/African-American, 0.027%; no homozygotes.

Submissions (6):

PreventionGenetics, part of Exact Sciences
Classification: Uncertain significance for ARL6-related condition. Last evaluated: 2026-04-10. Review status: criteria provided, single submitter. Criteria: ACMG Guidelines, 2015. Collection method: clinical testing. Allele origin: germline.
Comment: The ARL6 c.365G>A variant is predicted to result in the amino acid substitution p.Arg122Gln. This variant has been previously reported as non-pathogenic and along with a homozygous frameshift variant in the BBS12 gene in a family with Bardet-Biedl syndrome (Stoetzel et al. 2007. PubMed ID: 17160889; Muller et al. 2010. PubMed ID: 20177705). This variant is reported in 0.032% of alleles in individuals of African descent in gnomAD. At this time, the clinical significance of this variant is uncertain due to the absence of conclusive functional and genetic evidence.

Blueprint Genetics
Classification: Uncertain significance. Last evaluated: 2024-02-29. Review status: criteria provided, single submitter. Criteria: ACMG Guidelines, 2015. Collection method: clinical testing. Allele origin: germline.

Dept Of Ophthalmology, Nagoya University
Classification: Uncertain significance for Retinal dystrophy. Last evaluated: 2023-10-01. Review status: criteria provided, single submitter. Criteria: Submitter's publication. Collection method: research. Allele origin: germline. Affected: yes.

Labcorp Genetics (formerly Invitae), Labcorp
Classification: Uncertain significance for Retinitis pigmentosa 55; Bardet-Biedl syndrome 3. Last evaluated: 2022-09-27. Review status: criteria provided, single submitter. Criteria: Invitae Variant Classification Sherloc (09022015). Collection method: clinical testing. Allele origin: germline.
Comment: This sequence change replaces arginine, which is basic and polar, with glutamine, which is neutral and polar, at codon 122 of the ARL6 protein (p.Arg122Gln). This variant is present in population databases (rs142258123, gnomAD 0.03%). This variant has not been reported in the literature in individuals affected with ARL6-related conditions. ClinVar contains an entry for this variant (Variation ID: 900891). Algorithms developed to predict the effect of missense changes on protein structure and function (SIFT, PolyPhen-2, Align-GVGD) all suggest that this variant is likely to be tolerated. In summary, the available evidence is currently insufficient to determine the role of this variant in disease. Therefore, it has been classified as a Variant of Uncertain Significance.

Illumina Laboratory Services, Illumina
Classification: Uncertain significance for Retinitis pigmentosa. Last evaluated: 2017-04-27. Review status: criteria provided, single submitter. Criteria: ICSL Variant Classification Criteria 13 December 2019. Collection method: clinical testing. Allele origin: germline.

Illumina Laboratory Services, Illumina
Classification: Uncertain significance for Bardet-Biedl syndrome 3. Last evaluated: 2017-04-27. Review status: criteria provided, single submitter. Criteria: ICSL Variant Classification Criteria 13 December 2019. Collection method: clinical testing. Allele origin: germline.
Comment: This variant was observed as part of a predisposition screen in an ostensibly healthy population. A literature search was performed for the gene, cDNA change, and amino acid change (where applicable). Publications were found based on this search. However, the evidence from the literature, in combination with allele frequency data from public databases where available, was not sufficient to rule this variant in or out of causing disease. Therefore, this variant is classified as a variant of unknown significance.

Literature cited by the submitters: PubMed 17160889 (cited by Illumina Laboratory Services, Illumina); PubMed 20177705 (cited by Illumina Laboratory Services, Illumina).